The following is an entry in ClinVar:

ClinVar aggregate classification (germline): Uncertain significance (1 of 4 stars; one submission).

gnomAD v4.1: 5 of 1,613,996 alleles (0.00031%); highest among the groups gnomAD compares: Admixed American, 0.0017%; no homozygotes.

Submission:

CeGaT Center for Human Genetics Tuebingen
Classification: Uncertain significance. Last evaluated: 2026-06-01. Review status: criteria provided, single submitter. Criteria: CeGaT Center For Human Genetics Tuebingen Variant Classification Criteria Version 2. Collection method: clinical testing. Allele origin: germline. Affected: yes. Observed: 3 variant alleles.
Comment: NR4A2: PM2, PP3

NM_006186.4(NR4A2):c.23A>G (p.Tyr8Cys)

Gene: NR4A2 (nuclear receptor subfamily 4 group A member 2; minus strand). Cytogenetic location: 2q24.1.
Variant type: single nucleotide variant.
Coding change: c.23A>G on transcript NM_006186.4 (MANE Select); coding-DNA position 23, A replaced by G.
Protein change: p.Tyr8Cys; replaces tyrosine 8 with cysteine.
Molecular consequence: missense variant. On other transcripts: intron variant (1).
Genome position (GRCh38, 1-based): chr2:156,330,164, T>C on the plus strand (A>G on the coding strand, the complement: NR4A2 is on the minus strand). VCF-style: chr2-156330164-T-C. GRCh37 (hg19) VCF-style: chr2-157186676-T-C.
Other names: c.-13-154A>G (NM_173173.3); short protein forms Y8C.
Identifiers: ClinVar variation 4281079 (VCV004281079.7).